The following is an entry in ClinVar:

NM_003242.6(TGFBR2):c.1255G>T (p.Val419Leu)

Gene: TGFBR2 (transforming growth factor beta receptor 2; plus strand). Cytogenetic location: 3p24.1.
Variant type: single nucleotide variant.
Coding change: c.1255G>T on transcript NM_003242.6 (MANE Select); coding-DNA position 1255, G replaced by T.
Protein change: p.Val419Leu; replaces valine 419 with leucine.
Molecular consequence: missense variant.
Genome position (GRCh38, 1-based): chr3:30,674,105, G>T. VCF-style: chr3-30674105-G-T. GRCh37 (hg19) VCF-style: chr3-30715597-G-T.
Other names: p.V419L:GTG>TTG; c.1330G>T, p.Val444Leu (NM_001024847.3); c.1438G>T, p.Val480Leu (NM_001407126.1); c.1363G>T, p.Val455Leu (NM_001407127.1); c.1282G>T, p.Val428Leu (NM_001407128.1); c.1258G>T, p.Val420Leu (NM_001407129.1); c.1255G>T, p.Val419Leu (NM_001407130.1); c.1150G>T, p.Val384Leu (NM_001407132.1, NM_001407133.1, NM_001407134.1 and 2 more transcripts); and 2 more; short protein forms V419L, V444L, V299L, V324L, V420L, V428L, V455L, V384L.
Identifiers: ClinVar variation 213927 (VCV000213927.5), dbSNP rs863223847, ClinGen allele CA322630.

ClinVar aggregate classification (germline): Likely pathogenic. Review status: criteria provided, multiple submitters, no conflicts (2 of 4 stars). 2 submissions from 2 submitters: Likely pathogenic (2). Last evaluated 2022-01-05.

Conditions:
Familial thoracic aortic aneurysm and aortic dissection (TAAD). Also called: Thoracic aortic aneurysms and dissections. Identifiers: Orphanet 91387, MedGen C4707243, MONDO:0019625.

Submissions (2):

Ambry Genetics
Classification: Likely pathogenic for Familial thoracic aortic aneurysm and aortic dissection. Last evaluated: 2022-01-05. Review status: criteria provided, single submitter. Criteria: Ambry Variant Classification Scheme 2023. Collection method: clinical testing. Allele origin: germline.
Comment: The p.V419L variant (also known as c.1255G>T) is located in coding exon 5 of the TGFBR2 gene. The valine at codon 419 is replaced by leucine, an amino acid with highly similar properties. This change occurs in the first base pair of coding exon 5. In the same study, in vitro assays indicated p.V419L causes deficient TGFBR2 protein function. A different variant causing the same amino acid substitution (c.1255G>C, p.V419L) cosegregates with disease in one family tested in our laboratory (Ambry internal data). A third variant in the same codon, p.V419E, has been reported in a LDS cohort, though clinical details were limited (Jani P et al. J Med Genet, 2020 Oct;57:699-707). This variant was not reported in population-based cohorts in the Genome Aggregation Database (gnomAD). This amino acid position is highly conserved in available vertebrate species. In addition, this alteration is predicted to be deleterious by in silico analysis. Based on the majority of available evidence to date, this variant is likely to be pathogenic.

GeneDx
Classification: Likely pathogenic. Last evaluated: 2019-01-17. Review status: criteria provided, single submitter. Criteria: GeneDx Variant Classification (06012015). Collection method: clinical testing. Allele origin: germline. Affected: yes.
Comment: The V419L likely pathogenic variant in the TGFBR2 gene has been published in individual with features suggestive of a heritable connective tissue disorder, including thoracic aortic aneurysm, iliac artery aneurysms, and cervical artery tortuosity (Cousin et al., 2017). Functional analysis demonstrated the V419L variant led to a perturbation in the TFG-beta canonical signaling pathway (Cousin et al., 2017). Though the V419L variant is a conservative amino acid substitution, it occurs at a position within the protein kinase domain that is conserved across species and in silico analysis predicts this variant is probably damaging to the protein structure/function. Furthermore, missense variants in nearby residues (A414P, A414T, M425V, A426T, P427S, P427L) have been reported in the Human Gene Mutation Database in association TAAD and related disorders (Stenson et al., 2014), supporting the functional importance of this region of the protein. Finally, the V419L variant was not observed in large population cohorts (Lek et al., 2016; 1000 Genomes Consortium et al., 2015; Exome Variant Server), indicating it is not a common benign variant. In summary, V419L in the TGFBR2 gene is interpreted as a likely pathogenic variant.

Literature cited by the submitters: PubMed 28679693 (cited by Ambry Genetics); PubMed 32152251 (cited by Ambry Genetics).